The following is an entry in ClinVar:

ClinVar aggregate classification (germline): Benign. Review status: criteria provided, multiple submitters, no conflicts (2 of 4 stars). 7 submissions from 7 submitters: Benign (6). 1 of the submissions does not count toward it. Last evaluated 2026-02-04.

Conditions:
Usher syndrome type 2C. Also called: Usher syndrome, type 2B; USHER SYNDROME, TYPE IIC. Identifiers: Orphanet 231178, Orphanet 886, MedGen C2931213, MONDO:0011558, OMIM 605472.

Allele frequency attached by ClinVar (database versions not stated): ExAC 0.02374; gnomAD exomes 0.02390; 1000 Genomes Project 0.02656; 1000 Genomes Project 30x 0.02811; gnomAD 0.03534 and 0.03705; TOPMed 0.03618; ESP Exome Variant Server 0.03719.
gnomAD v4.1: 40,273 of 1,613,416 alleles (2.5%); highest among the groups gnomAD compares: African/African-American, 6.6%; 690 homozygotes.

Submissions (7):

Labcorp Genetics (formerly Invitae), Labcorp
Classification: Benign. Last evaluated: 2026-02-04. Review status: criteria provided, single submitter. Criteria: Invitae Variant Classification Sherloc (09022015). Collection method: clinical testing. Allele origin: germline.

Mayo Clinic Laboratories, Mayo Clinic
Classification: Benign. Last evaluated: 2020-10-05. Review status: criteria provided, single submitter. Criteria: ACMG Guidelines, 2015. Collection method: clinical testing. Allele origin: germline. Observed: 7 variant alleles.

Illumina Laboratory Services, Illumina
Classification: Benign for Usher syndrome type 2C. Last evaluated: 2018-01-13. Review status: criteria provided, single submitter. Criteria: ICSL Variant Classification Criteria 13 December 2019. Collection method: clinical testing. Allele origin: germline.
Comment: This variant was observed in the ICSL laboratory as part of a predisposition screen in an ostensibly healthy population. It had not been previously curated by ICSL or reported in the Human Gene Mutation Database (HGMD: prior to June 1st, 2018), and was therefore a candidate for classification through an automated scoring system. Utilizing variant allele frequency, disease prevalence and penetrance estimates, and inheritance mode, an automated score was calculated to assess if this variant is too frequent to cause the disease. Based on the score and internal cut-off values, a variant classified as benign is not then subjected to further curation. The score for this variant resulted in a classification of benign for this disease.

Athena Diagnostics
Classification: Benign. Last evaluated: 2017-06-23. Review status: criteria provided, single submitter. Criteria: Athena Diagnostics Criteria. Collection method: clinical testing. Allele origin: germline.

GeneDx
Classification: Benign. Last evaluated: 2013-01-14. Review status: criteria provided, single submitter. Criteria: GeneDx Variant Classification (06012015). Collection method: clinical testing. Allele origin: germline. Affected: yes.
Comment: This variant is considered likely benign or benign based on one or more of the following criteria: it is a conservative change, it occurs at a poorly conserved position in the protein, it is predicted to be benign by multiple in silico algorithms, and/or has population frequency not consistent with disease.

Laboratory for Molecular Medicine, Mass General Brigham Personalized Medicine
Classification: Benign. Last evaluated: 2010-03-16. Review status: criteria provided, single submitter. Criteria: LMM Criteria. Collection method: clinical testing. Allele origin: germline. Observed: 107 variant alleles.

Genetic Services Laboratory, University of Chicago
Classification: Likely benign. Review status: no assertion criteria provided. Collection method: clinical testing. Allele origin: germline. Inheritance: Autosomal dominant inheritance. Not counted in ClinVar's aggregate classification.
Comment: Likely benign based on allele frequency in 1000 Genomes Project or ESP global frequency and its presence in a patient with a rare or unrelated disease phenotype. NOT Sanger confirmed

NM_032119.4(ADGRV1):c.12927G>A (p.Ala4309=)

Gene: ADGRV1 (adhesion G protein-coupled receptor V1; plus strand). Cytogenetic location: 5q14.3.
Variant type: single nucleotide variant.
Coding change: c.12927G>A on transcript NM_032119.4 (MANE Select); coding-DNA position 12927, G replaced by A.
Protein change: p.Ala4309=; no amino-acid change (alanine 4309 retained).
Molecular consequence: synonymous variant. On other transcripts: non-coding transcript variant (1).
Genome position (GRCh38, 1-based): chr5:90,778,942, G>A. VCF-style: chr5-90778942-G-A. GRCh37 (hg19) VCF-style: chr5-90074759-G-A.
Other names: p.A4309A:GCG>GCA; p.Ala4309=.
Identifiers: ClinVar variation 46264 (VCV000046264.21), dbSNP rs35092519, ClinGen allele CA138019.